The following is an entry in ClinVar:

ClinVar aggregate classification (germline): Uncertain significance. Review status: criteria provided, multiple submitters, no conflicts (2 of 4 stars). 7 submissions from 7 submitters: Uncertain significance (6). 1 of the submissions does not count toward it. Last evaluated 2026-01-13.

Conditions:
Glycogen storage disease, type II (IOPD). Also called: ACID ALPHA-GLUCOSIDASE DEFICIENCY, INFANTILE-ONSET; GAA DEFICIENCY, INFANTILE-ONSET; ACID MALTASE DEFICIENCY, INFANTILE-ONSET; GLYCOGENOSIS, GENERALIZED, CARDIAC FORM; GSD II; Glycogen storage disease type 2. Identifiers: Orphanet 365, MedGen C0017921, MONDO:0009290, OMIM 232300.

Allele frequency attached by ClinVar (database versions not stated): gnomAD exomes 0.00002 and 0.00007; ExAC 0.00007; TOPMed 0.00002.
gnomAD v4.1: 26 of 1,403,180 alleles (0.0019%); highest among the groups gnomAD compares: South Asian, 0.01%; no homozygotes.

Submissions (7):

Women's Health and Genetics/Laboratory Corporation of America, LabCorp
Classification: Uncertain significance. Last evaluated: 2026-01-13. Review status: criteria provided, single submitter. Criteria: LabCorp Variant Classification Summary - May 2015. Collection method: clinical testing. Allele origin: germline.
Comment: Variant summary: GAA c.857C>T (p.Thr286Met) results in a non-conservative amino acid change in the encoded protein sequence near a canonical splice site. Algorithms developed to predict the effect of missense changes on protein structure and function are either unavailable or do not agree on the potential impact of this missense change. Several computational tools predict a significant impact on normal splicing: Two predict the variant weakens a 5' donor site. However, these predictions have yet to be confirmed by functional studies. The variant allele was found at a frequency of 7.3e-05 in 151082 control chromosomes. This frequency is not significantly higher than estimated for disease-causing variants in GAA, allowing no conclusion about variant significance. c.857C>T has been observed in at least one compound heterozygous individual affected with clinical features of Glycogen storage disease, type II (e.g. Ganapathy_2019). These data do not allow any conclusion about variant significance. To our knowledge, no experimental evidence demonstrating an impact on protein function has been reported. The following publication has been ascertained in the context of this evaluation (PMID: 31069529). ClinVar contains an entry for this variant (Variation ID: 968497). Based on the evidence outlined above, the variant was classified as uncertain significance.

GeneDx
Classification: Uncertain significance. Last evaluated: 2025-06-13. Review status: criteria provided, single submitter. Criteria: GeneDx Variant Classification Process June 2021. Collection method: clinical testing. Allele origin: germline. Affected: yes.
Comment: In silico analysis suggests that this missense variant does not alter protein structure/function; This variant is associated with the following publications: (PMID: 19343043, 22253258, 31069529)

Blueprint Genetics
Classification: Uncertain significance. Last evaluated: 2023-05-18. Review status: criteria provided, single submitter. Criteria: ACMG Guidelines, 2015. Collection method: clinical testing. Allele origin: germline.

Labcorp Genetics (formerly Invitae), Labcorp
Classification: Uncertain significance for Glycogen storage disease, type II. Last evaluated: 2022-06-13. Review status: criteria provided, single submitter. Criteria: Invitae Variant Classification Sherloc (09022015). Collection method: clinical testing. Allele origin: germline.
Comment: This sequence change replaces threonine, which is neutral and polar, with methionine, which is neutral and non-polar, at codon 286 of the GAA protein (p.Thr286Met). This variant is present in population databases (rs375310352, gnomAD 0.02%). This variant has not been reported in the literature in individuals affected with GAA-related conditions. ClinVar contains an entry for this variant (Variation ID: 968497). Algorithms developed to predict the effect of missense changes on protein structure and function output the following: SIFT: "Tolerated"; PolyPhen-2: "Benign"; Align-GVGD: "Class C0". The methionine amino acid residue is found in multiple mammalian species, which suggests that this missense change does not adversely affect protein function. Algorithms developed to predict the effect of sequence changes on RNA splicing suggest that this variant may disrupt the consensus splice site. In summary, the available evidence is currently insufficient to determine the role of this variant in disease. Therefore, it has been classified as a Variant of Uncertain Significance.

Fulgent Genetics
Classification: Uncertain significance for Glycogen storage disease, type II. Last evaluated: 2022-01-07. Review status: criteria provided, single submitter. Criteria: ACMG Guidelines, 2015. Collection method: clinical testing. Allele origin: unknown.

Revvity Omics, Revvity
Classification: Uncertain significance. Last evaluated: 2020-07-23. Review status: criteria provided, single submitter. Criteria: ACMG Guidelines, 2015. Collection method: clinical testing. Allele origin: germline.

Natera, Inc.
Classification: Uncertain significance for Glycogen storage disease type II. Last evaluated: 2020-04-16. Review status: no assertion criteria provided. Collection method: clinical testing. Allele origin: germline. Not counted in ClinVar's aggregate classification.

Literature cited by the submitters: PubMed 24627108 (cited by Women's Health and Genetics/Laboratory Corporation of America, LabCorp); PubMed 31069529 (cited by Women's Health and Genetics/Laboratory Corporation of America, LabCorp).

NM_000152.5(GAA):c.857C>T (p.Thr286Met)

Gene: GAA (alpha glucosidase; plus strand). Cytogenetic location: 17q25.3.
Variant type: single nucleotide variant.
Coding change: c.857C>T on transcript NM_000152.5 (MANE Select); coding-DNA position 857, C replaced by T.
Protein change: p.Thr286Met; replaces threonine 286 with methionine.
Molecular consequence: missense variant.
Genome position (GRCh38, 1-based): chr17:80,107,721, C>T. VCF-style: chr17-80107721-C-T. GRCh37 (hg19) VCF-style: chr17-78081520-C-T.
Other names: c.857C>T, p.Thr286Met (NM_001079803.3, NM_001079804.3); short protein forms T286M.
Identifiers: ClinVar variation 968497 (VCV000968497.14), dbSNP rs375310352, ClinGen allele CA8815032.
Genomic context (GRCh38, chr17:80,107,721, plus strand): 5'-CCCTGATGCTCAGCACCAGCTGGACCAGGATCACCCTGTGGAACCGGGACCTTGCGCCCA[C>T]GGTACAGCGGCGGGCGGCGGGCGGGGGCACTGAGCTGGGGAGCGCAGGTGCTGAAGCGCC-3'
Protein context (NP_000143.2, residues 276-296): ITLWNRDLAP[Thr286Met]PGANLYGSHP